The following is an entry in ClinVar:

NM_003072.5(SMARCA4):c.4911+9G>C

Gene: SMARCA4 (SWI/SNF related BAF chromatin remodeling complex subunit ATPase 4; plus strand). Cytogenetic location: 19p13.2.
Variant type: single nucleotide variant.
Coding change: c.4911+9G>C on transcript NM_003072.5 (MANE Select); 9 bases into the intron after coding-DNA position 4911, G replaced by C.
Molecular consequence: intron variant.
Genome position (GRCh38, 1-based): chr19:11,060,196, G>C. VCF-style: chr19-11060196-G-C. GRCh37 (hg19) VCF-style: chr19-11170872-G-C.
Other names: c.4911+9G>C (NM_001128844.3); c.5007+9G>C (NM_001128849.3, NM_001387283.1); c.4812+9G>C (NM_001128847.4, NM_001374457.1); c.4821+9G>C (NM_001128845.2); c.4818+9G>C (NM_001128846.2); c.4809+9G>C (NM_001128848.2).
Identifiers: ClinVar variation 1616753 (VCV001616753.9), dbSNP rs374677046, ClinGen allele CA2573155683.

ClinVar aggregate classification (germline): Likely benign. Review status: criteria provided, multiple submitters, no conflicts (2 of 4 stars). 2 submissions from 2 submitters: Likely benign (2). Last evaluated 2026-07-08.

Conditions:
Rhabdoid tumor predisposition syndrome 2 (RTPS2). Identifiers: Orphanet 231108, Orphanet 69077, MedGen C2750074, MONDO:0013224, OMIM 613325.

gnomAD v4.1: 2 of 1,550,564 alleles (0.00013%); highest among the groups gnomAD compares: South Asian, 0.0024%; no homozygotes.

Submissions (2):

Myriad Genetics, Inc.
Classification: Likely benign for Rhabdoid tumor predisposition syndrome 2. Last evaluated: 2026-07-08. Review status: criteria provided, single submitter. Criteria: Myriad Autosomal Dominant, Autosomal Recessive and X-Linked Classification Criteria (2023). Collection method: clinical testing. Allele origin: unknown.
Comment: This variant is considered likely benign. This variant is intronic and is not expected to impact mRNA splicing.

Labcorp Genetics (formerly Invitae), Labcorp
Classification: Likely benign for Rhabdoid tumor predisposition syndrome 2. Last evaluated: 2025-04-27. Review status: criteria provided, single submitter. Criteria: Invitae Variant Classification Sherloc (09022015). Collection method: clinical testing. Allele origin: germline.